The following is an entry in ClinVar:

NM_000548.5(TSC2):c.1959_1960del (p.Gly654fs)

Gene: TSC2 (TSC complex subunit 2; plus strand). Cytogenetic location: 16p13.3.
Variant type: Microsatellite.
Coding change: c.1959_1960del on transcript NM_000548.5 (MANE Select); coding-DNA positions 1959 to 1960, 2 bases deleted (AG; older notation c.1959_1960delAG).
Protein change: p.Gly654fs; shifts the reading frame from glycine 654.
Molecular consequence: frameshift variant.
Genome position (GRCh38, 1-based): chr16:2,071,796-2,071,797, AG deleted; deleting any 2 consecutive bases within chr16:2,071,790-2,071,797 gives the same sequence; the c. name uses the placement nearest the transcript's 3' end. VCF-style (leftmost placement, unchanged base first): chr16-2071789-CAG-C. GRCh37 (hg19) VCF-style: chr16-2121790-CAG-C.
Other names: c.1959_1960del, p.Gly654fs (NM_001077183.3, NM_001114382.3, NM_001363528.2 and 3 more transcripts); c.1848_1849del, p.Gly617fs (NM_001318827.2); c.1812_1813del, p.Gly605fs (NM_001318829.2); c.1359_1360del, p.Gly454fs (NM_001318831.2); c.1992_1993del, p.Gly665fs (NM_001318832.2); short protein forms G617fs, G605fs, G665fs, G454fs, G654fs.
Identifiers: ClinVar variation 65311 (VCV000065311.13), dbSNP rs137854144, ClinGen allele CA016302.
Genomic context (GRCh38, chr16:2,071,789, plus strand): 5'-CTGTTCCGTTCCTGCTGCGGGGACTTGGCCTCAGCTGCTTCTCTTGCTTCTGCAGGGAGC[CAG>C]AGAGAGGCTCTGAGAAGAAGACCAGCGGCCCCCTTTCTCCTCCCACAGGGCCTCCTGGCC-3'

ClinVar aggregate classification (germline): Pathogenic/Likely pathogenic. Review status: criteria provided, multiple submitters, no conflicts (2 of 4 stars). 6 submissions from 6 submitters: Pathogenic (4); Likely pathogenic (1). 1 of the submissions does not count toward it. Last evaluated 2026-04-24.

Conditions:
Tuberous sclerosis syndrome (TSC). Also called: Tuberous Sclerosis Complex; Tuberous sclerosis. Identifiers: Orphanet 805, MedGen C0041341, MONDO:0001734.
Tuberous sclerosis 2 (TSC2). Identifiers: Orphanet 805, MedGen C1860707, MONDO:0013199, OMIM 613254.

Submissions (6):

Dasa
Classification: Likely pathogenic for Tuberous sclerosis 2. Last evaluated: 2026-04-24. Review status: criteria provided, single submitter. Criteria: DASA Assertion Criteria. Collection method: clinical testing. Allele origin: germline.
Comment: NM_000548.5(TSC2):c.1959_1960del (p.Gly654Leufs*2) is a frameshift variant in TSC2 predicted to alter the reading frame and introduce a premature termination codon and is predicted to result in an absent or altered protein product. Loss of function is an established disease mechanism for TSC2 (PMID: 31525612; PMID: 10205261; PMID: 29932062). Also, this variant is absent from population databases. Based on the currently available evidence, this variant is classified as likely pathogenic.

Labcorp Genetics (formerly Invitae), Labcorp
Classification: Pathogenic for Tuberous sclerosis 2. Last evaluated: 2025-08-06. Review status: criteria provided, single submitter. Criteria: Invitae Variant Classification Sherloc (09022015). Collection method: clinical testing. Allele origin: germline.
Comment: This sequence change creates a premature translational stop signal (p.Gly654Leufs*2) in the TSC2 gene. It is expected to result in an absent or disrupted protein product. Loss-of-function variants in TSC2 are known to be pathogenic (PMID: 10205261, 17304050). This variant is not present in population databases (gnomAD no frequency). This premature translational stop signal has been observed in individual(s) with clinical features of tuberous sclerosis complex (PMID: 21811971). This variant is also known as c.1957-1958delAG. For these reasons, this variant has been classified as Pathogenic.

Genome-Nilou Lab
Classification: Pathogenic for Tuberous sclerosis 2. Last evaluated: 2021-11-07. Review status: criteria provided, single submitter. Criteria: ACMG Guidelines, 2015. Collection method: clinical testing. Allele origin: germline. Affected: no.

GeneDx
Classification: Pathogenic. Last evaluated: 2021-05-13. Review status: criteria provided, single submitter. Criteria: GeneDx Variant Classification Process June 2021. Collection method: clinical testing. Allele origin: germline. Affected: yes.
Comment: Reported as c.1957-1958delAG due the use of alternative nomenclature in association with tuberous sclerosis complex in the published literature (Li et al., 2011); Frameshift variant predicted to result in protein truncation or nonsense mediated decay in a gene for which loss-of-function is a known mechanism of disease; Not observed in large population cohorts (Lek et al., 2016); This variant is associated with the following publications: (PMID: 21811971)

Athena Diagnostics
Classification: Pathogenic for Tuberous sclerosis 2. Last evaluated: 2013-01-14. Review status: criteria provided, single submitter. Criteria: Athena Diagnostics Criteria. Collection method: clinical testing. Allele origin: germline. Inheritance: Autosomal dominant inheritance.

Tuberous sclerosis database (TSC2)
No classification provided. Condition: TSC. Review status: no classification provided. Criteria: Tuberous Sclerosis Database Assertion Criteria 2015. Collection method: curation. Allele origin: germline. Affected: yes. Not counted in ClinVar's aggregate classification.

Literature cited by the submitters: PubMed 31525612 (cited by Dasa); PubMed 10205261 (cited by Dasa and Labcorp Genetics (formerly Invitae), Labcorp); PubMed 29932062 (cited by Dasa); PubMed 17304050 (cited by Labcorp Genetics (formerly Invitae), Labcorp); PubMed 21811971 (cited by Labcorp Genetics (formerly Invitae), Labcorp and Athena Diagnostics).